The following is an entry in ClinVar:

NM_000179.3(MSH6):c.3728_3732dup (p.Phe1245fs)

Gene: MSH6 (mutS homolog 6; plus strand). Cytogenetic location: 2p16.3.
Variant type: Duplication.
Coding change: c.3728_3732dup on transcript NM_000179.3 (MANE Select); coding-DNA positions 3728 to 3732, 5 bases duplicated (CATTA; older notation c.3728_3732dupCATTA).
Protein change: p.Phe1245fs; shifts the reading frame from phenylalanine 1245.
Molecular consequence: frameshift variant. On other transcripts: non-coding transcript variant (5).
Genome position (GRCh38, 1-based): chr2:47,806,285-47,806,289, CATTA duplicated; duplicating any 5 consecutive bases within chr2:47,806,283-47,806,289 gives the same sequence; the c. name uses the placement nearest the transcript's 3' end. VCF-style (leftmost placement, unchanged base first): chr2-47806282-G-GTACAT. GRCh37 (hg19) VCF-style: chr2-48033421-G-GTACAT.
Other names: c.3338_3342dup, p.Phe1115fs (NM_001281492.2); c.2822_2826dup, p.Phe943fs (NM_001281493.2, NM_001281494.2, NM_001406811.1 and 6 more transcripts); c.3824_3828dup, p.Phe1277fs (NM_001406795.1, NM_001406802.1); c.3728_3732dup, p.Phe1245fs (NM_001406796.1, NM_001406800.1, NM_001406808.1 and 1 more transcripts); c.3431_3435dup, p.Phe1146fs (NM_001406797.1, NM_001406801.1, NM_001406805.1 and 10 more transcripts); c.3554_3558dup, p.Phe1187fs (NM_001406798.1); c.3203_3207dup, p.Phe1070fs (NM_001406799.1, NM_001406806.1, NM_001406807.1); c.2864_2868dup, p.Phe957fs (NM_001406803.1); and 7 more; short protein forms F1187fs, F1247fs, F1146fs, F1245fs, F560fs, F957fs, F1277fs, F194fs.
Identifiers: ClinVar variation 2851341 (VCV002851341.3), dbSNP rs2530843407, ClinGen allele CA2739274380.

ClinVar aggregate classification (germline): Pathogenic (1 of 4 stars; one submission).

Conditions:
Hereditary nonpolyposis colorectal neoplasms. Identifiers: MedGen C0009405, MeSH D003123.

Submission:

Labcorp Genetics (formerly Invitae), Labcorp
Classification: Pathogenic for Hereditary nonpolyposis colorectal neoplasms. Last evaluated: 2024-10-17. Review status: criteria provided, single submitter. Criteria: Invitae Variant Classification Sherloc (09022015). Collection method: clinical testing. Allele origin: germline.
Comment: This sequence change creates a premature translational stop signal (p.Phe1245Hisfs*10) in the MSH6 gene. It is expected to result in an absent or disrupted protein product. Loss-of-function variants in MSH6 are known to be pathogenic (PMID: 18269114, 24362816). This variant is not present in population databases (gnomAD no frequency). This variant has not been reported in the literature in individuals affected with MSH6-related conditions. For these reasons, this variant has been classified as Pathogenic.

Literature cited by the submitters: PubMed 18269114; PubMed 24362816.